The following is an entry in ClinVar:

ClinVar aggregate classification (germline): Uncertain significance. Review status: criteria provided, multiple submitters, no conflicts (2 of 4 stars). 5 submissions from 5 submitters: Uncertain significance (5). Last evaluated 2026-01-30.

Conditions:
Inborn genetic diseases. Identifiers: MedGen C0950123, MeSH D030342.
3-methylglutaconic aciduria type 1 (MGCA1). Identifiers: Orphanet 67046, MedGen C0342727, MONDO:0009610, OMIM 250950.

Allele frequency attached by ClinVar (database versions not stated): gnomAD 0.00006 and 0.00005; gnomAD exomes 0.00006 and 0.00004; ExAC 0.00013; 1000 Genomes Project 30x 0.00016; 1000 Genomes Project 0.00020; TOPMed 0.00004.
gnomAD v4.1: 72 of 1,609,556 alleles (0.0045%); highest among the groups gnomAD compares: Middle Eastern, 0.033%; no homozygotes.

Submissions (5):

GeneDx
Classification: Uncertain significance. Last evaluated: 2026-01-30. Review status: criteria provided, single submitter. Criteria: GeneDx Variant Classification Process June 2021. Collection method: clinical testing. Allele origin: germline.
Comment: Not observed at significant frequency in large population cohorts (gnomAD); In silico analysis suggests that this missense variant does not alter protein structure/function; Has not been previously published as pathogenic or benign to our knowledge

Ambry Genetics
Classification: Uncertain significance for Inborn genetic diseases. Last evaluated: 2025-07-31. Review status: criteria provided, single submitter. Criteria: Ambry Variant Classification Scheme 2023. Collection method: clinical testing. Allele origin: germline.

Labcorp Genetics (formerly Invitae), Labcorp
Classification: Uncertain significance for 3-methylglutaconic aciduria type 1. Last evaluated: 2022-11-02. Review status: criteria provided, single submitter. Criteria: Invitae Variant Classification Sherloc (09022015). Collection method: clinical testing. Allele origin: germline.
Comment: This sequence change replaces arginine, which is basic and polar, with histidine, which is basic and polar, at codon 335 of the AUH protein (p.Arg335His). This variant is present in population databases (rs529693736, gnomAD 0.01%). This variant has not been reported in the literature in individuals affected with AUH-related conditions. ClinVar contains an entry for this variant (Variation ID: 444773). Algorithms developed to predict the effect of missense changes on protein structure and function output the following: SIFT: "Tolerated"; PolyPhen-2: "Benign"; Align-GVGD: "Class C0". The histidine amino acid residue is found in multiple mammalian species, which suggests that this missense change does not adversely affect protein function. In summary, the available evidence is currently insufficient to determine the role of this variant in disease. Therefore, it has been classified as a Variant of Uncertain Significance.

Illumina Laboratory Services, Illumina
Classification: Uncertain significance for 3-methylglutaconic aciduria type 1. Last evaluated: 2018-01-13. Review status: criteria provided, single submitter. Criteria: ICSL Variant Classification Criteria 13 December 2019. Collection method: clinical testing. Allele origin: germline.

CeGaT Center for Human Genetics Tuebingen
Classification: Uncertain significance. Last evaluated: 2017-05-01. Review status: criteria provided, single submitter. Criteria: CeGaT Center For Human Genetics Tuebingen Variant Classification Criteria Version 2. Collection method: clinical testing. Allele origin: germline. Affected: yes. Observed: 1 variant allele.

NM_001698.3(AUH):c.1004G>A (p.Arg335His)

Gene: AUH (AU RNA binding methylglutaconyl-CoA hydratase; minus strand). Cytogenetic location: 9q22.31.
Variant type: single nucleotide variant.
Coding change: c.1004G>A on transcript NM_001698.3 (MANE Select); coding-DNA position 1004, G replaced by A.
Protein change: p.Arg335His; replaces arginine 335 with histidine.
Molecular consequence: missense variant.
Genome position (GRCh38, 1-based): chr9:91,214,364, C>T on the plus strand (G>A on the coding strand, the complement: AUH is on the minus strand). VCF-style: chr9-91214364-C-T. GRCh37 (hg19) VCF-style: chr9-93976646-C-T.
Other names: c.917G>A, p.Arg306His (NM_001306190.2); c.677G>A, p.Arg226His (NM_001351431.2, NM_001351432.2); c.629G>A, p.Arg210His (NM_001351433.2); short protein forms R335H, R210H, R226H, R306H.
Identifiers: ClinVar variation 444773 (VCV000444773.54), dbSNP rs529693736, ClinGen allele CA5119653.
Genomic context (GRCh38, chr9:91,214,364, plus strand): 5'-GAAGTACATTTATTACATTGGCATCTTAAGAATTTCTGTTCCTTTTATTCTCCTTTATAG[C>T]GAGGGGGCCTTTTCTCTTTAAAAGCAAGAAGACCTTCAAGTCTGTCTTTTGTTGGAATGG-3'
Protein context (NP_001689.1, residues 325-339): LLAFKEKRPP[Arg335His]YKGE